The following is an entry in ClinVar:

NM_006904.7(PRKDC):c.10532C>A (p.Ala3511Asp)

Gene: PRKDC (protein kinase, DNA-activated, catalytic subunit; minus strand). Cytogenetic location: 8q11.21.
Variant type: single nucleotide variant.
Coding change: c.10532C>A on transcript NM_006904.7 (MANE Select); coding-DNA position 10532, C replaced by A.
Protein change: p.Ala3511Asp; replaces alanine 3511 with aspartic acid.
Molecular consequence: missense variant.
Genome position (GRCh38, 1-based): chr8:47,794,428, G>T on the plus strand (C>A on the coding strand, the complement: PRKDC is on the minus strand). VCF-style: chr8-47794428-G-T. GRCh37 (hg19) VCF-style: chr8-48706989-G-T.
Other names: c.10532C>A, p.Ala3511Asp (NM_001081640.2); short protein forms A3511D.
Identifiers: ClinVar variation 1777680 (VCV001777680.2), dbSNP rs2551862022, ClinGen allele CA371134099.

ClinVar aggregate classification (germline): Uncertain significance (1 of 4 stars; one submission).

Submission:

Ambry Genetics
Classification: Uncertain significance. Last evaluated: 2021-10-31. Review status: criteria provided, single submitter. Criteria: Ambry Variant Classification Scheme 2023. Collection method: clinical testing. Allele origin: germline.
Comment: The p.A3511D variant (also known as c.10532C>A), located in coding exon 74 of the PRKDC gene, results from a C to A substitution at nucleotide position 10532. The alanine at codon 3511 is replaced by aspartic acid, an amino acid with dissimilar properties. This amino acid position is conserved. Since supporting evidence is limited at this time, the clinical significance of this alteration remains unclear.